The following is an entry in ClinVar:

NM_002528.7(NTHL1):c.795G>C (p.Glu265Asp)

Gene: NTHL1 (nth like DNA glycosylase 1; minus strand). Cytogenetic location: 16p13.3.
Variant type: single nucleotide variant.
Coding change: c.795G>C on transcript NM_002528.7 (MANE Select); coding-DNA position 795, G replaced by C.
Protein change: p.Glu265Asp; replaces glutamic acid 265 with aspartic acid.
Molecular consequence: missense variant.
Genome position (GRCh38, 1-based): chr16:2,040,044, C>G on the plus strand (G>C on the coding strand, the complement: NTHL1 is on the minus strand). VCF-style: chr16-2040044-C-G. GRCh37 (hg19) VCF-style: chr16-2090045-C-G.
Other names: c.624G>C, p.Glu208Asp (NM_001318193.2); c.465G>C, p.Glu155Asp (NM_001318194.2); short protein forms E208D, E155D, E265D.
Identifiers: ClinVar variation 1762393 (VCV001762393.2), dbSNP rs2150937978, ClinGen allele CA394287626.

ClinVar aggregate classification (germline): Uncertain significance (1 of 4 stars; one submission).

Conditions:
Hereditary cancer-predisposing syndrome. Also called: Neoplastic Syndromes, Hereditary; Tumor predisposition; Hereditary Cancer Syndrome; Hereditary neoplastic syndrome. Identifiers: Orphanet 140162, MedGen C0027672, MeSH D009386, MONDO:0015356.

Submission:

Ambry Genetics
Classification: Uncertain significance for Hereditary cancer-predisposing syndrome. Last evaluated: 2024-02-28. Review status: criteria provided, single submitter. Criteria: Ambry Variant Classification Scheme 2023. Collection method: clinical testing. Allele origin: germline.
Comment: The p.E273D variant (also known as c.819G>C), located in coding exon 6 of the NTHL1 gene, results from a G to C substitution at nucleotide position 819. The glutamic acid at codon 273 is replaced by aspartic acid, an amino acid with highly similar properties. This amino acid position is not well conserved in available vertebrate species. In addition, this alteration is predicted to be tolerated by in silico analysis. Based on the available evidence, the clinical significance of this alteration remains unclear.